The following is an entry in ClinVar:

NM_001845.6(COL4A1):c.*31G>T

Gene: COL4A1 (collagen type IV alpha 1 chain; minus strand). Cytogenetic location: 13q34.
Variant type: single nucleotide variant.
Coding change: c.*31G>T on transcript NM_001845.6 (MANE Select); 31 bases downstream of the stop codon, G replaced by T.
Molecular consequence: 3 prime UTR variant.
Genome position (GRCh38, 1-based): chr13:110,150,332, C>A on the plus strand (G>T on the coding strand, the complement: COL4A1 is on the minus strand). VCF-style: chr13-110150332-C-A. GRCh37 (hg19) VCF-style: chr13-110802679-C-A.
Other names: +31G-T, 3-PRIME UTR.
Identifiers: ClinVar variation 689433 (VCV000689433.2), dbSNP rs2138415342, ClinGen allele CA2499221945.

ClinVar aggregate classification (germline): Pathogenic. Review status: criteria provided, single submitter (1 of 4 stars). 2 submissions from 2 submitters: Pathogenic (1). 1 of the submissions does not count toward it. Last evaluated 2025-06-19.

Conditions:
Microangiopathy and leukoencephalopathy, pontine, autosomal dominant. Also called: DEMENTIA, HEREDITARY MULTI-INFARCT, SWEDISH TYPE; Pontine autosomal dominant microangiopathy with leukoencephalopathy. Identifiers: Orphanet 477749, MedGen C5231411, MONDO:0032814, OMIM 618564.

Submissions (2):

Labcorp Genetics (formerly Invitae), Labcorp
Classification: Pathogenic. Last evaluated: 2025-06-19. Review status: criteria provided, single submitter. Criteria: Invitae Variant Classification Sherloc (09022015). Collection method: clinical testing. Allele origin: germline.
Comment: This variant occurs in a non-coding region of the COL4A1 gene. It does not change the encoded amino acid sequence of the COL4A1 protein. This variant is not present in population databases (gnomAD no frequency). This variant has been observed in individual(s) with cerebral small vessel disease and/or pontine autosomal dominant microangiopathy with leukoencephalopathy (PADMAL) (PMID: 27666438, 36786861). It has also been observed to segregate with disease in related individuals. ClinVar contains an entry for this variant (Variation ID: 689433). Algorithms developed to predict the effect of variants on gene product structure and function are not available or were not evaluated for this variant. Experimental studies have shown that this variant affects COL4A1 function (PMID: 27666438). For these reasons, this variant has been classified as Pathogenic.

OMIM
Classification: Pathogenic for MICROANGIOPATHY AND LEUKOENCEPHALOPATHY, PONTINE, AUTOSOMAL DOMINANT. Last evaluated: 2019-09-06. Review status: no assertion criteria provided. Collection method: literature only. Allele origin: germline. Not counted in ClinVar's aggregate classification.

Literature cited by the submitters: PubMed 27666438 (cited by Labcorp Genetics (formerly Invitae), Labcorp and OMIM); PubMed 36786861 (cited by Labcorp Genetics (formerly Invitae), Labcorp); PubMed 15221337 (cited by OMIM).